The following is an entry in ClinVar:

NM_000282.4(PCCA):c.820-1G>A

Gene: PCCA (propionyl-CoA carboxylase subunit alpha; plus strand). Cytogenetic location: 13q32.3.
Variant type: single nucleotide variant.
Coding change: c.820-1G>A on transcript NM_000282.4 (MANE Select); the canonical splice acceptor site of the intron before coding-DNA position 820, G replaced by A.
Molecular consequence: splice acceptor variant.
Genome position (GRCh38, 1-based): chr13:100,268,688, G>A. VCF-style: chr13-100268688-G-A. GRCh37 (hg19) VCF-style: chr13-100920942-G-A.
Other names: c.820-1G>A (NM_001178004.2, NM_001352605.2, NM_001352606.2 and 1 more transcripts); c.-126-1G>A (NM_001352610.2, NM_001352611.2, NM_001352612.2); c.742-1G>A (NM_001127692.3, NM_001352607.2, NM_001352608.2).
Identifiers: ClinVar variation 946188 (VCV000946188.8), dbSNP rs2063103516, ClinGen allele CA388694443.

ClinVar aggregate classification (germline): Likely pathogenic (1 of 4 stars; one submission).

Conditions:
Propionic acidemia (PROP). Also called: GLYCINEMIA, KETOTIC; HYPERGLYCINEMIA WITH KETOACIDOSIS AND LEUKOPENIA; KETOTIC HYPERGLYCINEMIA. Identifiers: Orphanet 35, MedGen C0268579, MONDO:0011628, OMIM 606054, HP:0003571.

Allele frequency attached by ClinVar (database versions not stated): gnomAD exomes below 0.00001.
gnomAD v4.1: 1 of 1,609,076 alleles (0.000062%); highest among the groups gnomAD compares: Non-Finnish European, 0.000085%; no homozygotes.

Submission:

Labcorp Genetics (formerly Invitae), Labcorp
Classification: Likely pathogenic for Propionic acidemia. Last evaluated: 2019-04-24. Review status: criteria provided, single submitter. Criteria: Invitae Variant Classification Sherloc (09022015). Collection method: clinical testing. Allele origin: germline.
Comment: This sequence change affects an acceptor splice site in intron 10 of the PCCA gene. It is expected to disrupt RNA splicing and likely results in an absent or disrupted protein product. This variant is not present in population databases (ExAC no frequency). This variant has not been reported in the literature in individuals with PCCA-related conditions. Algorithms developed to predict the effect of sequence changes on RNA splicing suggest that this variant may disrupt the consensus splice site, but this prediction has not been confirmed by published transcriptional studies. Donor and acceptor splice site variants typically lead to a loss of protein function (PMID: 16199547), and loss-of-function variants in PCCA are known to be pathogenic (PMID: 15464417). In summary, the currently available evidence indicates that the variant is pathogenic, but additional data are needed to prove that conclusively. Therefore, this variant has been classified as Likely Pathogenic.

Literature cited by the submitters: PubMed 16199547; PubMed 15464417.